The following is an entry in ClinVar:

ClinVar aggregate classification (germline): Pathogenic (1 of 4 stars; one submission).

Submission:

ISCA Site 6
Classification: Pathogenic. Last evaluated: 2011-08-12. Review status: criteria provided, single submitter. Criteria: Kaminsky et al. (Genet Med. 2011). Collection method: clinical testing. Allele origin: unknown. Affected: yes. Observed: 1 variant allele.
Comment: Copy number variation identified through the course of routine clinical cytogenomic testing in postnatal populations. Clinical assertions have been curated as described in Kaminsky et al. 2011.

GRCh38/hg38 17p11.2(chr17:16836827-20504849)x3

Genes: AKAP10 (A-kinase anchoring protein 10; minus strand), ALDH3A1 (aldehyde dehydrogenase 3 family member A1; minus strand), ALDH3A2 (aldehyde dehydrogenase 3 family member A2; plus strand), ALKBH5 (alkB homolog 5, RNA demethylase; plus strand), ATPAF2 (ATP synthase mitochondrial F1 complex assembly factor 2; minus strand) and 243 more. Cytogenetic location: 17p11.2.
Variant type: copy number gain.
Change: copy number 3 (three copies instead of two) of chr17:16,836,827-20,504,849 (3.67 Mb, GRCh38 coordinates, 1-based), cytogenetic band 17p11.2.
Identifiers: ClinVar variation 58132 (VCV000058132.2).